The following is an entry in ClinVar:

ClinVar aggregate classification (germline): Uncertain significance. Review status: criteria provided, multiple submitters, no conflicts (2 of 4 stars). 4 submissions from 4 submitters: Uncertain significance (4). Last evaluated 2025-10-29.

Conditions:
Cardiovascular phenotype. Identifiers: MedGen CN230736.
Dilated cardiomyopathy 1JJ (CMD1JJ). Identifiers: Orphanet 154, MedGen C3808935, MONDO:0014095, OMIM 615235.

Allele frequency attached by ClinVar (database versions not stated): gnomAD 0.00001; gnomAD exomes 0.00004; ExAC 0.00005; TOPMed 0.00003.
gnomAD v4.1: 15 of 1,613,876 alleles (0.00093%); highest among the groups gnomAD compares: Admixed American, 0.017%; no homozygotes.

Submissions (4):

Ambry Genetics
Classification: Uncertain significance for Cardiovascular phenotype. Last evaluated: 2025-10-29. Review status: criteria provided, single submitter. Criteria: Ambry Variant Classification Scheme 2023. Collection method: clinical testing. Allele origin: germline.

Dasa
Classification: Uncertain significance. Last evaluated: 2025-07-07. Review status: criteria provided, single submitter. Criteria: DASA Assertion Criteria. Collection method: clinical testing. Allele origin: germline.
Comment: NM_001105206.3(LAMA4):c.370G>C (p.Gly124Arg) is a missense variant that results in the substitution of glycine with arginine. This variant is rare in population databases. The currently available literature and clinical evidence are not sufficient to establish a definitive association between this variant and the reported condition. Therefore, this variant is classified as a variant of uncertain significance.

Labcorp Genetics (formerly Invitae), Labcorp
Classification: Uncertain significance for Dilated cardiomyopathy 1JJ. Last evaluated: 2024-11-15. Review status: criteria provided, single submitter. Criteria: Invitae Variant Classification Sherloc (09022015). Collection method: clinical testing. Allele origin: germline.
Comment: This sequence change replaces glycine, which is neutral and non-polar, with arginine, which is basic and polar, at codon 124 of the LAMA4 protein (p.Gly124Arg). This variant is present in population databases (rs782530521, gnomAD 0.02%). This variant has not been reported in the literature in individuals affected with LAMA4-related conditions. ClinVar contains an entry for this variant (Variation ID: 213610). An algorithm developed to predict the effect of missense changes on protein structure and function (PolyPhen-2) suggests that this variant is likely to be disruptive. In summary, the available evidence is currently insufficient to determine the role of this variant in disease. Therefore, it has been classified as a Variant of Uncertain Significance.

GeneDx
Classification: Uncertain significance. Last evaluated: 2024-11-12. Review status: criteria provided, single submitter. Criteria: GeneDx Variant Classification Process June 2021. Collection method: clinical testing. Allele origin: germline. Affected: yes.
Comment: In silico analysis supports that this missense variant has a deleterious effect on protein structure/function; Has not been previously published as pathogenic or benign to our knowledge

NM_001105206.3(LAMA4):c.370G>C (p.Gly124Arg)

Gene: LAMA4 (laminin subunit alpha 4; minus strand). Cytogenetic location: 6q21.
Variant type: single nucleotide variant.
Coding change: c.370G>C on transcript NM_001105206.3 (MANE Select); coding-DNA position 370, G replaced by C.
Protein change: p.Gly124Arg; replaces glycine 124 with arginine.
Molecular consequence: missense variant.
Genome position (GRCh38, 1-based): chr6:112,207,073, C>G on the plus strand (G>C on the coding strand, the complement: LAMA4 is on the minus strand). VCF-style: chr6-112207073-C-G. GRCh37 (hg19) VCF-style: chr6-112528274-C-G.
Other names: p.G124R:GGA>CGA; c.370G>C, p.Gly124Arg (NM_001105207.3, NM_002290.5); short protein forms G124R.
Identifiers: ClinVar variation 213610 (VCV000213610.9), dbSNP rs782530521, ClinGen allele CA325275.